The following is an entry in ClinVar:

NM_002430.3(MN1):c.1980C>G (p.Asp660Glu)

Gene: MN1 (MN1 proto-oncogene, transcriptional regulator; minus strand). Cytogenetic location: 22q12.1.
Variant type: single nucleotide variant.
Coding change: c.1980C>G on transcript NM_002430.3 (MANE Select); coding-DNA position 1980, C replaced by G.
Protein change: p.Asp660Glu; replaces aspartic acid 660 with glutamic acid.
Molecular consequence: missense variant.
Genome position (GRCh38, 1-based): chr22:27,798,564, G>C on the plus strand (C>G on the coding strand, the complement: MN1 is on the minus strand). VCF-style: chr22-27798564-G-C. GRCh37 (hg19) VCF-style: chr22-28194552-G-C.
Other names: short protein forms D660E.
Identifiers: ClinVar variation 4685152 (VCV004685152.1).

ClinVar aggregate classification (germline): Uncertain significance (1 of 4 stars; one submission).

gnomAD v4.1: 1 of 1,530,614 alleles (0.000065%); highest among the groups gnomAD compares: Non-Finnish European, 0.000087%; no homozygotes.

Submission:

GeneDx
Classification: Uncertain significance. Last evaluated: 2025-07-09. Review status: criteria provided, single submitter. Criteria: GeneDx Variant Classification Process June 2021. Collection method: clinical testing. Allele origin: germline. Affected: yes.
Comment: Not observed at significant frequency in large population cohorts (gnomAD); In silico analysis suggests that this missense variant does not alter protein structure/function; Has not been previously published as pathogenic or benign to our knowledge